The following is an entry in ClinVar:

NM_000234.3(LIG1):c.880C>T (p.Arg294Trp)

Gene: LIG1 (DNA ligase 1; minus strand). Cytogenetic location: 19q13.33.
Variant type: single nucleotide variant.
Coding change: c.880C>T on transcript NM_000234.3 (MANE Select); coding-DNA position 880, C replaced by T.
Protein change: p.Arg294Trp; replaces arginine 294 with tryptophan.
Molecular consequence: missense variant. On other transcripts: non-coding transcript variant (6).
Genome position (GRCh38, 1-based): chr19:48,143,577, G>A on the plus strand (C>T on the coding strand, the complement: LIG1 is on the minus strand). VCF-style: chr19-48143577-G-A. GRCh37 (hg19) VCF-style: chr19-48646834-G-A.
Other names: c.787C>T, p.Arg263Trp (NM_001289063.2); c.676C>T, p.Arg226Trp (NM_001289064.2); c.877C>T, p.Arg293Trp (NM_001320970.2); c.790C>T, p.Arg264Trp (NM_001320971.2); short protein forms R294W, R263W, R226W, R264W, R293W.
Identifiers: ClinVar variation 1907476 (VCV001907476.2), dbSNP rs765401609, ClinGen allele CA9547069.

ClinVar aggregate classification (germline): Uncertain significance (1 of 4 stars; one submission).

Allele frequency attached by ClinVar (database versions not stated): gnomAD exomes 0.00001; gnomAD 0.00002; ExAC 0.00003; TOPMed 0.00003.
gnomAD v4.1: 28 of 1,607,590 alleles (0.0017%); highest among the groups gnomAD compares: East Asian, 0.0067%; no homozygotes.

Submission:

Labcorp Genetics (formerly Invitae), Labcorp
Classification: Uncertain significance. Last evaluated: 2022-05-14. Review status: criteria provided, single submitter. Criteria: Invitae Variant Classification Sherloc (09022015). Collection method: clinical testing. Allele origin: germline.
Comment: This sequence change replaces arginine, which is basic and polar, with tryptophan, which is neutral and slightly polar, at codon 294 of the LIG1 protein (p.Arg294Trp). This variant is present in population databases (rs765401609, gnomAD 0.04%). This variant has not been reported in the literature in individuals affected with LIG1-related conditions. Algorithms developed to predict the effect of missense changes on protein structure and function are either unavailable or do not agree on the potential impact of this missense change (SIFT: "Deleterious"; PolyPhen-2: "Probably Damaging"; Align-GVGD: "Class C0"). In summary, the available evidence is currently insufficient to determine the role of this variant in disease. Therefore, it has been classified as a Variant of Uncertain Significance.